The following is an entry in ClinVar:

ClinVar aggregate classification (germline): Uncertain significance (1 of 4 stars; one submission).

Conditions:
IFT172-related disorder. Also called: IFT172-related disorders; IFT172-related condition.

gnomAD v4.1: 1 of 1,612,138 alleles (0.000062%); highest among the groups gnomAD compares: Non-Finnish European, 0.000085%; no homozygotes.

Submission:

PreventionGenetics, part of Exact Sciences
Classification: Uncertain significance for IFT172-related condition. Last evaluated: 2025-05-22. Review status: criteria provided, single submitter. Criteria: ACMG Guidelines, 2015. Collection method: clinical testing. Allele origin: germline.
Comment: The IFT172 c.1561A>T variant is predicted to result in the amino acid substitution p.Met521Leu. To our knowledge, this variant has not been reported in the literature or in a large population database (gnomAD), indicating this variant is rare. At this time, the clinical significance of this variant is uncertain due to the absence of conclusive functional and genetic evidence.

NM_015662.3(IFT172):c.1561A>T (p.Met521Leu)

Gene: IFT172 (intraflagellar transport 172; minus strand). Cytogenetic location: 2p23.3.
Variant type: single nucleotide variant.
Coding change: c.1561A>T on transcript NM_015662.3 (MANE Select); coding-DNA position 1561, A replaced by T.
Protein change: p.Met521Leu; replaces methionine 521 with leucine.
Molecular consequence: missense variant. On other transcripts: intron variant (1).
Genome position (GRCh38, 1-based): chr2:27,471,059, T>A on the plus strand (A>T on the coding strand, the complement: IFT172 is on the minus strand). VCF-style: chr2-27471059-T-A. GRCh37 (hg19) VCF-style: chr2-27693926-T-A.
Other names: c.1525-30A>T (NM_001410739.1); short protein forms M521L.
Identifiers: ClinVar variation 5000844 (VCV005000844.1).